The following is an entry in ClinVar:

ClinVar aggregate classification (germline): Likely benign. Review status: criteria provided, multiple submitters, no conflicts (2 of 4 stars). 2 submissions from 2 submitters: Likely benign (2). Last evaluated 2026-06-01.

Allele frequency attached by ClinVar (database versions not stated): gnomAD 0.00010; TOPMed 0.00022.

Submissions (2):

CeGaT Center for Human Genetics Tuebingen
Classification: Likely benign. Last evaluated: 2026-06-01. Review status: criteria provided, single submitter. Criteria: CeGaT Center For Human Genetics Tuebingen Variant Classification Criteria Version 2. Collection method: clinical testing. Allele origin: germline. Affected: yes. Observed: 1 variant allele.
Comment: CITED2: BP4, BP7

Labcorp Genetics (formerly Invitae), Labcorp
Classification: Likely benign. Last evaluated: 2017-10-23. Review status: criteria provided, single submitter. Criteria: Invitae Variant Classification Sherloc (09022015). Collection method: clinical testing. Allele origin: germline.

NM_006079.5(CITED2):c.627C>T (p.Pro209=)

Gene: CITED2 (Cbp/p300 interacting transactivator with ED-rich tail 2; minus strand). Cytogenetic location: 6q24.1.
Variant type: single nucleotide variant.
Coding change: c.627C>T on transcript NM_006079.5 (MANE Select); coding-DNA position 627, C replaced by T.
Protein change: p.Pro209=; no amino-acid change (proline 209 retained).
Molecular consequence: synonymous variant.
Genome position (GRCh38, 1-based): chr6:139,373,318, G>A on the plus strand (C>T on the coding strand, the complement: CITED2 is on the minus strand). VCF-style: chr6-139373318-G-A. GRCh37 (hg19) VCF-style: chr6-139694455-G-A.
Other names: c.627C>T, p.Pro209= (NM_001168388.3); c.642C>T, p.Pro214= (NM_001168389.3).
Identifiers: ClinVar variation 733119 (VCV000733119.5), dbSNP rs767902739, ClinGen allele CA4025543.